The following is an entry in ClinVar:

NC_000009.11:g.(2182243_2186095)_(2193621_?)del

Gene: SMARCA2 (SWI/SNF related BAF chromatin remodeling complex subunit ATPase 2; plus strand). Cytogenetic location: 9p24.3.
Variant type: Deletion.
Identifiers: ClinVar variation 3769462 (VCV003769462.2).

ClinVar aggregate classification (germline): Uncertain significance (1 of 4 stars; one submission).

Submission:

Women's Health and Genetics/Laboratory Corporation of America, LabCorp
Classification: Uncertain significance. Last evaluated: 2025-01-23. Review status: criteria provided, single submitter. Criteria: LabCorp Variant Classification Summary - May 2015. Collection method: clinical testing. Allele origin: germline.
Comment: Variant summary: The variant involves the deletion of exons 32-34 in the SMARCA2 gene. A presumed nomenclature of c.(4461+1_4462-1)_(*882_?)del has been designated for the purposes of this classification. The exact breakpoint at the distal 3' end of this variant is unknown, therefore this deletion may extend downstream of the annotated region of the gene. As it encompasses the termination codon, it is predicted to escape nonsense mediated decay (NMD). The variant was absent in 120780 control chromosomes in the gnomAD database (Structural Variants v4.1 dataset). The available data on variant occurrences in the general population are insufficient to allow any conclusion about variant significance. To our knowledge, no occurrence of c.(4461+1_4462-1)_(*882_?)del in individuals affected with SMARCA2-Related Disorders and no experimental evidence demonstrating its impact on protein function have been reported. No submitters have cited clinical-significance assessments for this variant to ClinVar. Based on the evidence outlined above, the variant was classified as uncertain significance.